The following is an entry in ClinVar:

NM_024529.5(CDC73):c.1373C>T (p.Pro458Leu)

Gene: CDC73 (cell division cycle 73; plus strand). Cytogenetic location: 1q31.2.
Variant type: single nucleotide variant.
Coding change: c.1373C>T on transcript NM_024529.5 (MANE Select); coding-DNA position 1373, C replaced by T.
Protein change: p.Pro458Leu; replaces proline 458 with leucine.
Molecular consequence: missense variant.
Genome position (GRCh38, 1-based): chr1:193,236,312, C>T. VCF-style: chr1-193236312-C-T. GRCh37 (hg19) VCF-style: chr1-193205442-C-T.
Other names: short protein forms P458L.
Identifiers: ClinVar variation 4223477 (VCV004223477.1).

ClinVar aggregate classification (germline): Uncertain significance (1 of 4 stars; one submission).

Conditions:
Hereditary cancer-predisposing syndrome. Also called: Hereditary Cancer Syndrome; Hereditary neoplastic syndrome; Neoplastic Syndromes, Hereditary; Tumor predisposition. Identifiers: Orphanet 140162, MedGen C0027672, MeSH D009386, MONDO:0015356.

Submission:

Ambry Genetics
Classification: Uncertain significance for Hereditary cancer-predisposing syndrome. Last evaluated: 2025-07-22. Review status: criteria provided, single submitter. Criteria: Ambry Variant Classification Scheme 2023. Collection method: clinical testing. Allele origin: germline.
Comment: The p.P458L variant (also known as c.1373C>T), located in coding exon 15 of the CDC73 gene, results from a C to T substitution at nucleotide position 1373. The proline at codon 458 is replaced by leucine, an amino acid with similar properties. This amino acid position is conserved. In addition, the in silico prediction for this alteration is inconclusive. Based on the available evidence, the clinical significance of this variant remains unclear.